The following is an entry in ClinVar:

ClinVar aggregate classification (germline): Uncertain significance (1 of 4 stars; one submission).

gnomAD v4.1: 5 of 1,608,544 alleles (0.00031%); highest among the groups gnomAD compares: Admixed American, 0.0017%; no homozygotes.

Submission:

Labcorp Genetics (formerly Invitae), Labcorp
Classification: Uncertain significance. Last evaluated: 2025-05-11. Review status: criteria provided, single submitter. Criteria: Invitae Variant Classification Sherloc (09022015). Collection method: clinical testing. Allele origin: germline.
Comment: This sequence change replaces arginine, which is basic and polar, with glutamine, which is neutral and polar, at codon 3206 of the SPEG protein (p.Arg3206Gln). This variant is not present in population databases (gnomAD no frequency). This variant has not been reported in the literature in individuals affected with SPEG-related conditions. An algorithm developed to predict the effect of missense changes on protein structure and function (PolyPhen-2) suggests that this variant is likely to be disruptive. In summary, the available evidence is currently insufficient to determine the role of this variant in disease. Therefore, it has been classified as a Variant of Uncertain Significance.

NM_005876.5(SPEG):c.9617G>A (p.Arg3206Gln)

Genes: ASIC4-AS1 (ASIC4 antisense RNA 1; minus strand), SPEG (striated muscle enriched protein kinase; plus strand). Cytogenetic location: 2q35.
Variant type: single nucleotide variant.
Coding change: c.9617G>A on transcript NM_005876.5 (MANE Select); coding-DNA position 9617, G replaced by A.
Protein change: p.Arg3206Gln; replaces arginine 3206 with glutamine.
Molecular consequence: missense variant.
Genome position (GRCh38, 1-based): chr2:219,492,599, G>A. VCF-style: chr2-219492599-G-A. GRCh37 (hg19) VCF-style: chr2-220357321-G-A.
Other names: short protein forms R3206Q.
Identifiers: ClinVar variation 4804235 (VCV004804235.1).